The following is an entry in ClinVar:

NM_000059.4(BRCA2):c.3945A>T (p.Arg1315Ser)

Gene: BRCA2 (BRCA2 DNA repair associated; plus strand). Cytogenetic location: 13q13.1.
Variant type: single nucleotide variant.
Coding change: c.3945A>T on transcript NM_000059.4 (MANE Select); coding-DNA position 3945, A replaced by T.
Protein change: p.Arg1315Ser; replaces arginine 1315 with serine.
Molecular consequence: missense variant.
Genome position (GRCh38, 1-based): chr13:32,338,300, A>T. VCF-style: chr13-32338300-A-T. GRCh37 (hg19) VCF-style: chr13-32912437-A-T.
Other names: c.3945A>T (NM_000059.3); short protein forms R1315S.
Identifiers: ClinVar variation 1494011 (VCV001494011.10), dbSNP rs2137501449, ClinGen allele CA387778879.
Genomic context (GRCh38, chr13:32,338,300, plus strand): 5'-AAATAATATTGAAATGACTACTGGCACTTTTGTTGAAGAAATTACTGAAAATTACAAGAG[A>T]AATACTGAAAATGAAGATAACAAATATACTGCTGCCAGTAGAAATTCTCATAACTTAGAA-3'
Protein context (NP_000050.3, residues 1305-1325): FVEEITENYK[Arg1315Ser]NTENEDNKYT

ClinVar aggregate classification (germline): Conflicting classifications of pathogenicity. Review status: criteria provided, conflicting classifications (1 of 4 stars). 3 submissions from 3 submitters: Uncertain significance (2); Likely benign (1). Last evaluated 2024-08-17.

Conditions:
Hereditary cancer-predisposing syndrome. Also called: Tumor predisposition; Hereditary neoplastic syndrome; Neoplastic Syndromes, Hereditary; Hereditary Cancer Syndrome. Identifiers: Orphanet 140162, MedGen C0027672, MeSH D009386, MONDO:0015356.
Hereditary breast ovarian cancer syndrome. Also called: Hereditary breast and ovarian cancer; Hereditary breast and ovarian cancer syndrome; Hereditary breast and/or ovarian cancer syndrome; Hereditary breast and ovarian cancer syndrome (HBOC); Breast and ovarian cancer; BRCA1- and BRCA2-Associated Hereditary Breast and Ovarian Cancer. Identifiers: Orphanet 145, MedGen C0677776, MeSH D061325, MONDO:0003582. Disease mechanism: loss of function.

Submissions (3):

Ambry Genetics
Classification: Uncertain significance for Hereditary cancer-predisposing syndrome. Last evaluated: 2024-08-17. Review status: criteria provided, single submitter. Criteria: Ambry Variant Classification Scheme 2023. Collection method: clinical testing. Allele origin: germline.
Comment: The p.R1315S variant (also known as c.3945A>T), located in coding exon 10 of the BRCA2 gene, results from an A to T substitution at nucleotide position 3945. The arginine at codon 1315 is replaced by serine, an amino acid with dissimilar properties. This amino acid position is conserved. In addition, this alteration is predicted to be tolerated by in silico analysis. Based on the available evidence, the clinical significance of this variant remains unclear.

University of Washington Department of Laboratory Medicine, University of Washington
Classification: Likely benign for Hereditary cancer-predisposing syndrome. Last evaluated: 2023-03-23. Review status: criteria provided, single submitter. Criteria: Dines et al. (Genet Med. 2020). Collection method: curation. Allele origin: germline.
Comment: Missense variant in a coldspot region where missense variants are very unlikely to be pathogenic (PMID:31911673).

BRCA2 exon 11 coldspot. Reclassification based on statistical prior probability.

Labcorp Genetics (formerly Invitae), Labcorp
Classification: Uncertain significance for Hereditary breast ovarian cancer syndrome. Last evaluated: 2020-12-16. Review status: criteria provided, single submitter. Criteria: Invitae Variant Classification Sherloc (09022015). Collection method: clinical testing. Allele origin: germline.
Comment: This sequence change replaces arginine with serine at codon 1315 of the BRCA2 protein (p.Arg1315Ser). The arginine residue is weakly conserved and there is a moderate physicochemical difference between arginine and serine. This variant is not present in population databases (ExAC no frequency). This variant has not been reported in the literature in individuals with BRCA2-related conditions. Advanced modeling of protein sequence and biophysical properties (such as structural, functional, and spatial information, amino acid conservation, physicochemical variation, residue mobility, and thermodynamic stability) performed at Invitae indicates that this missense variant is not expected to disrupt BRCA2 protein function. In summary, the available evidence is currently insufficient to determine the role of this variant in disease. Therefore, it has been classified as a Variant of Uncertain Significance.